The following is an entry in ClinVar:

ClinVar aggregate classification (germline): Pathogenic/Likely pathogenic. Review status: criteria provided, multiple submitters, no conflicts (2 of 4 stars). 6 submissions from 5 submitters: Pathogenic (1); Likely pathogenic (5). Last evaluated 2025-12-17.

Conditions:
Autosomal recessive polycystic kidney disease (ARPKD). Also called: AR polycystic kidney disease. Identifiers: Orphanet 731, Orphanet 8378, MedGen C0085548, MeSH D017044, MONDO:0009889.
Polycystic kidney disease 4 (PKD4). Also called: POLYCYSTIC KIDNEY AND HEPATIC DISEASE 1; POLYCYSTIC KIDNEY DISEASE, INFANTILE, TYPE I; POLYCYSTIC KIDNEY DISEASE 4 WITH OR WITHOUT POLYCYSTIC LIVER DISEASE; Autosomal Recessive Polycystic Kidney Disease – PKHD1; PKD3. Identifiers: MedGen C4540575, MONDO:0033004, OMIM 263200.

Allele frequency attached by ClinVar (database versions not stated): gnomAD exomes below 0.00001.
gnomAD v4.1: 3 of 1,591,356 alleles (0.00019%); highest among the groups gnomAD compares: Non-Finnish European, 0.00017%; no homozygotes.

Submissions (6):

Natera, Inc.
Classification: Likely pathogenic for Autosomal recessive polycystic kidney disease. Last evaluated: 2025-12-17. Review status: criteria provided, single submitter. Criteria: Natera Variant Classification Schema (03/2026). Collection method: clinical testing. Allele origin: germline.
Comment: The c.898A>T variant in PKHD1 is a nonsense variant predicted to introduce a stop codon at amino acid 300. This variant is expected to result in nonsense mediated decay, truncation, or a dysfunctional protein product. This variant is rare in the general population with a frequency below the threshold expected for the associated phenotype(s). Given the available evidence, this variant is classified as Likely Pathogenic.

Fulgent Genetics
Classification: Likely pathogenic for Polycystic kidney disease 4. Last evaluated: 2024-01-03. Review status: criteria provided, single submitter. Criteria: ACMG Guidelines, 2015. Collection method: clinical testing. Allele origin: germline.

Baylor Genetics
Classification: Likely pathogenic for Polycystic kidney disease 4. Last evaluated: 2023-04-21. Review status: criteria provided, single submitter. Criteria: ACMG Guidelines, 2015. Collection method: clinical testing. Allele origin: unknown.

GeneDx
Classification: Likely pathogenic. Last evaluated: 2022-12-07. Review status: criteria provided, single submitter. Criteria: GeneDx Variant Classification Process June 2021. Collection method: clinical testing. Allele origin: germline. Affected: yes.
Comment: Nonsense variant predicted to result in protein truncation or nonsense mediated decay in a gene for which loss-of-function is a known mechanism of disease; Not observed at significant frequency in large population cohorts (gnomAD); Has not been previously published as pathogenic or benign to our knowledge; This variant is associated with the following publications: (PMID: 27535533)

Labcorp Genetics (formerly Invitae), Labcorp
Classification: Pathogenic for Autosomal recessive polycystic kidney disease. Last evaluated: 2021-11-09. Review status: criteria provided, single submitter. Criteria: Invitae Variant Classification Sherloc (09022015). Collection method: clinical testing. Allele origin: germline.
Comment: ClinVar contains an entry for this variant (Variation ID: 813392). For these reasons, this variant has been classified as Pathogenic. This variant has not been reported in the literature in individuals affected with PKHD1-related conditions. This variant is not present in population databases (gnomAD no frequency). This sequence change creates a premature translational stop signal (p.Arg300*) in the PKHD1 gene. It is expected to result in an absent or disrupted protein product. Loss-of-function variants in PKHD1 are known to be pathogenic (PMID: 19940839).

Baylor Genetics
Classification: Likely pathogenic for Polycystic kidney disease 4. Review status: criteria provided, single submitter. Criteria: ACMG Guidelines, 2015. Collection method: clinical testing. Allele origin: germline.

Literature cited by the submitters: PubMed 19940839 (cited by Labcorp Genetics (formerly Invitae), Labcorp).

NM_138694.4(PKHD1):c.898A>T (p.Arg300Ter)

Gene: PKHD1 (PKHD1 ciliary IPT domain containing fibrocystin/polyductin; minus strand). Cytogenetic location: 6p12.2.
Variant type: single nucleotide variant.
Coding change: c.898A>T on transcript NM_138694.4 (MANE Select); coding-DNA position 898, A replaced by T.
Protein change: p.Arg300Ter; replaces arginine 300 with a stop codon.
Molecular consequence: nonsense.
Genome position (GRCh38, 1-based): chr6:52,065,033, T>A on the plus strand (A>T on the coding strand, the complement: PKHD1 is on the minus strand). VCF-style: chr6-52065033-T-A. GRCh37 (hg19) VCF-style: chr6-51929831-T-A.
Other names: c.898A>T, p.Arg300Ter (NM_170724.3); short protein forms R300*.
Identifiers: ClinVar variation 813392 (VCV000813392.13), dbSNP rs1582053820, ClinGen allele CA364429723.